The following is an entry in ClinVar:

ClinVar aggregate classification (germline): Uncertain significance (1 of 4 stars; one submission).

Conditions:
Nemaline myopathy 2 (NEM2). Also called: Nemaline myopathy 2, autosomal recessive. Identifiers: MedGen C1850569, MONDO:0009725, OMIM 256030.

Submission:

Labcorp Genetics (formerly Invitae), Labcorp
Classification: Uncertain significance for Nemaline myopathy 2. Last evaluated: 2022-06-22. Review status: criteria provided, single submitter. Criteria: Invitae Variant Classification Sherloc (09022015). Collection method: clinical testing. Allele origin: germline.
Comment: In summary, the available evidence is currently insufficient to determine the role of this variant in disease. Therefore, it has been classified as a Variant of Uncertain Significance. Algorithms developed to predict the effect of missense changes on protein structure and function are either unavailable or do not agree on the potential impact of this missense change (SIFT: "Deleterious"; PolyPhen-2: "Not Available"; Align-GVGD: "Class C0"). This variant has not been reported in the literature in individuals affected with NEB-related conditions. This variant is not present in population databases (gnomAD no frequency). This sequence change replaces serine, which is neutral and polar, with isoleucine, which is neutral and non-polar, at codon 2443 of the NEB protein (p.Ser2443Ile).

NM_001164508.2(NEB):c.7328G>T (p.Ser2443Ile)

Gene: NEB (nebulin; minus strand). Cytogenetic location: 2q23.3.
Variant type: single nucleotide variant.
Coding change: c.7328G>T on transcript NM_001164508.2 (MANE Select); coding-DNA position 7328, G replaced by T.
Protein change: p.Ser2443Ile; replaces serine 2443 with isoleucine.
Molecular consequence: missense variant.
Genome position (GRCh38, 1-based): chr2:151,650,279, C>A on the plus strand (G>T on the coding strand, the complement: NEB is on the minus strand). VCF-style: chr2-151650279-C-A. GRCh37 (hg19) VCF-style: chr2-152506793-C-A.
Other names: c.7328G>T, p.Ser2443Ile (NM_001164507.2, NM_001271208.2, NM_004543.5); short protein forms S2443I.
Identifiers: ClinVar variation 2007344 (VCV002007344.2), dbSNP rs2099016739, ClinGen allele CA348788187.